The following is an entry in ClinVar:

ClinVar aggregate classification (germline): Uncertain significance (1 of 4 stars; one submission).

Allele frequency attached by ClinVar (database versions not stated): TOPMed below 0.00001; gnomAD exomes below 0.00001.
gnomAD v4.1: 1 of 1,337,388 alleles (0.000075%); highest among the groups gnomAD compares: Non-Finnish European, 0.000096%; no homozygotes.

Submission:

Labcorp Genetics (formerly Invitae), Labcorp
Classification: Uncertain significance. Last evaluated: 2025-03-05. Review status: criteria provided, single submitter. Criteria: Invitae Variant Classification Sherloc (09022015). Collection method: clinical testing. Allele origin: germline.
Comment: This sequence change replaces threonine, which is neutral and polar, with proline, which is neutral and non-polar, at codon 1268 of the GRIN2D protein (p.Thr1268Pro). This variant is not present in population databases (gnomAD no frequency). This variant has not been reported in the literature in individuals affected with GRIN2D-related conditions. ClinVar contains an entry for this variant (Variation ID: 1951378). Invitae Evidence Modeling of protein sequence and biophysical properties (such as structural, functional, and spatial information, amino acid conservation, physicochemical variation, residue mobility, and thermodynamic stability) indicates that this missense variant is not expected to disrupt GRIN2D protein function with a negative predictive value of 95%. In summary, the available evidence is currently insufficient to determine the role of this variant in disease. Therefore, it has been classified as a Variant of Uncertain Significance.

NM_000836.4(GRIN2D):c.3802A>C (p.Thr1268Pro)

Gene: GRIN2D (glutamate ionotropic receptor NMDA type subunit 2D; plus strand). Cytogenetic location: 19q13.33.
Variant type: single nucleotide variant.
Coding change: c.3802A>C on transcript NM_000836.4 (MANE Select); coding-DNA position 3802, A replaced by C.
Protein change: p.Thr1268Pro; replaces threonine 1268 with proline.
Molecular consequence: missense variant.
Genome position (GRCh38, 1-based): chr19:48,443,728, A>C. VCF-style: chr19-48443728-A-C. GRCh37 (hg19) VCF-style: chr19-48946985-A-C.
Other names: short protein forms T1268P.
Identifiers: ClinVar variation 1951378 (VCV001951378.5), dbSNP rs1971341203, ClinGen allele CA406678307.
Genomic context (GRCh38, chr19:48,443,728, plus strand): 5'-CCCCACCACCACAGGCACCGGCGCGCCGCTGGGGGCTGGGACCTCCCGCCGCCCGCGCCC[A>C]CCTCGCGCTCGCTCGAGGACCTCAGCTCGTGCCCTCGCGCCGCCCCTGCGCGCAGGCTTA-3'
Protein context (NP_000827.2, residues 1258-1278): GGWDLPPPAP[Thr1268Pro]SRSLEDLSSC